The following is an entry in ClinVar:

NM_001355436.2(SPTB):c.5414C>T (p.Thr1805Met)

Gene: SPTB (spectrin beta, erythrocytic; minus strand). Cytogenetic location: 14q23.3.
Variant type: single nucleotide variant.
Coding change: c.5414C>T on transcript NM_001355436.2 (MANE Select); coding-DNA position 5414, C replaced by T.
Protein change: p.Thr1805Met; replaces threonine 1805 with methionine.
Molecular consequence: missense variant.
Genome position (GRCh38, 1-based): chr14:64,772,719, G>A on the plus strand (C>T on the coding strand, the complement: SPTB is on the minus strand). VCF-style: chr14-64772719-G-A. GRCh37 (hg19) VCF-style: chr14-65239437-G-A.
Other names: c.5414C>T, p.Thr1805Met (NM_001024858.4, NM_001355437.2); short protein forms T1805M.
Identifiers: ClinVar variation 2918524 (VCV002918524.3), dbSNP rs142051792, ClinGen allele CA7229978.

ClinVar aggregate classification (germline): Uncertain significance (1 of 4 stars; one submission).

Allele frequency attached by ClinVar (database versions not stated): ExAC 0.00008; ESP Exome Variant Server 0.00008.
gnomAD v4.1: 58 of 1,613,824 alleles (0.0036%); highest among the groups gnomAD compares: Admixed American, 0.033%; no homozygotes.

Submission:

Labcorp Genetics (formerly Invitae), Labcorp
Classification: Uncertain significance. Last evaluated: 2025-03-07. Review status: criteria provided, single submitter. Criteria: Invitae Variant Classification Sherloc (09022015). Collection method: clinical testing. Allele origin: germline.
Comment: This sequence change replaces threonine, which is neutral and polar, with methionine, which is neutral and non-polar, at codon 1805 of the SPTB protein (p.Thr1805Met). This variant is present in population databases (rs142051792, gnomAD 0.06%). This variant has not been reported in the literature in individuals affected with SPTB-related conditions. ClinVar contains an entry for this variant (Variation ID: 2918524). An algorithm developed to predict the effect of missense changes on protein structure and function outputs the following: PolyPhen-2: "Benign". The methionine amino acid residue is found in multiple mammalian species, which suggests that this missense change does not adversely affect protein function. In summary, the available evidence is currently insufficient to determine the role of this variant in disease. Therefore, it has been classified as a Variant of Uncertain Significance.